The following is an entry in ClinVar:

ClinVar aggregate classification (germline): Uncertain significance (1 of 4 stars; one submission).

Conditions:
Hereditary cancer-predisposing syndrome. Also called: Neoplastic Syndromes, Hereditary; Tumor predisposition; Hereditary neoplastic syndrome; Hereditary Cancer Syndrome. Identifiers: Orphanet 140162, MedGen C0027672, MeSH D009386, MONDO:0015356.

Submission:

Ambry Genetics
Classification: Uncertain significance for Hereditary cancer-predisposing syndrome. Last evaluated: 2024-03-08. Review status: criteria provided, single submitter. Criteria: Ambry Variant Classification Scheme 2023. Collection method: clinical testing. Allele origin: germline.
Comment: The p.L301F variant (also known as c.903G>T), located in coding exon 7 of the CHEK2 gene, results from a G to T substitution at nucleotide position 903. The leucine at codon 301 is replaced by phenylalanine, an amino acid with highly similar properties. This amino acid position is conserved. In addition, the in silico prediction for this alteration is inconclusive. Based on the available evidence, the clinical significance of this alteration remains unclear.

NM_007194.4(CHEK2):c.903G>T (p.Leu301Phe)

Gene: CHEK2 (checkpoint kinase 2; minus strand). Cytogenetic location: 22q12.1.
Variant type: single nucleotide variant.
Coding change: c.903G>T on transcript NM_007194.4 (MANE Select); coding-DNA position 903, G replaced by T.
Protein change: p.Leu301Phe; replaces leucine 301 with phenylalanine.
Molecular consequence: missense variant.
Genome position (GRCh38, 1-based): chr22:28,703,510, C>A on the plus strand (G>T on the coding strand, the complement: CHEK2 is on the minus strand). VCF-style: chr22-28703510-C-A. GRCh37 (hg19) VCF-style: chr22-29099498-C-A.
Other names: c.1032G>T, p.Leu344Phe (NM_001005735.3); c.240G>T, p.Leu80Phe (NM_001257387.3); c.702G>T, p.Leu234Phe (NM_001349956.3); c.903G>T, p.Leu301Phe (NM_145862.3); short protein forms L234F, L301F, L344F, L80F.
Identifiers: ClinVar variation 3226046 (VCV003226046.1), dbSNP rs2517885026, ClinGen allele CA411100933.